The following is an entry in ClinVar:

NM_001367624.2(ZNF469):c.4540C>T (p.His1514Tyr)

Gene: ZNF469 (zinc finger protein 469; plus strand). Cytogenetic location: 16q24.2.
Variant type: single nucleotide variant.
Coding change: c.4540C>T on transcript NM_001367624.2 (MANE Select); coding-DNA position 4540, C replaced by T.
Protein change: p.His1514Tyr; replaces histidine 1514 with tyrosine.
Molecular consequence: missense variant.
Genome position (GRCh38, 1-based): chr16:88,432,010, C>T. VCF-style: chr16-88432010-C-T. GRCh37 (hg19) VCF-style: chr16-88498418-C-T.
Other names: short protein forms H1514Y.
Identifiers: ClinVar variation 1375753 (VCV001375753.6), dbSNP rs1011889055, ClinGen allele CA286376198.

ClinVar aggregate classification (germline): Uncertain significance (1 of 4 stars; one submission).

Allele frequency attached by ClinVar (database versions not stated): gnomAD exomes below 0.00001.
gnomAD v4.1: 1 of 1,550,238 alleles (0.000065%); highest among the groups gnomAD compares: Non-Finnish European, 0.000087%; no homozygotes.

Submission:

Labcorp Genetics (formerly Invitae), Labcorp
Classification: Uncertain significance. Last evaluated: 2021-08-17. Review status: criteria provided, single submitter. Criteria: Invitae Variant Classification Sherloc (09022015). Collection method: clinical testing. Allele origin: germline.
Comment: In summary, the available evidence is currently insufficient to determine the role of this variant in disease. Therefore, it has been classified as a Variant of Uncertain Significance. Algorithms developed to predict the effect of missense changes on protein structure and function (SIFT, PolyPhen-2, Align-GVGD) all suggest that this variant is likely to be tolerated. This variant has not been reported in the literature in individuals affected with ZNF469-related conditions. This variant is not present in population databases (ExAC no frequency). This sequence change replaces histidine with tyrosine at codon 1486 of the ZNF469 protein (p.His1486Tyr). The histidine residue is weakly conserved and there is a moderate physicochemical difference between histidine and tyrosine.